The following is an entry in ClinVar:

ClinVar aggregate classification (germline): Uncertain significance (1 of 4 stars; one submission).

Submission:

Ambry Genetics
Classification: Uncertain significance. Last evaluated: 2025-08-20. Review status: criteria provided, single submitter. Criteria: Ambry Variant Classification Scheme 2023. Collection method: clinical testing. Allele origin: germline.
Comment: The p.V435L variant (also known as c.1303G>T), located in coding exon 10 of the RECQL gene, results from a G to T substitution at nucleotide position 1303. The valine at codon 435 is replaced by leucine, an amino acid with highly similar properties. This amino acid position is conserved. In addition, this alteration is predicted to be tolerated by in silico analysis. Based on the available evidence, the clinical significance of this variant remains unclear.

NM_002907.4(RECQL):c.1303G>T (p.Val435Leu)

Gene: RECQL (RecQ like helicase; minus strand). Cytogenetic location: 12p12.1.
Variant type: single nucleotide variant.
Coding change: c.1303G>T on transcript NM_002907.4 (MANE Select); coding-DNA position 1303, G replaced by T.
Protein change: p.Val435Leu; replaces valine 435 with leucine.
Molecular consequence: missense variant.
Genome position (GRCh38, 1-based): chr12:21,474,893, C>A on the plus strand (G>T on the coding strand, the complement: RECQL is on the minus strand). VCF-style: chr12-21474893-C-A. GRCh37 (hg19) VCF-style: chr12-21627827-C-A.
Other names: c.1303G>T, p.Val435Leu (NM_032941.3); short protein forms V435L.
Identifiers: ClinVar variation 4152323 (VCV004152323.1).
Genomic context (GRCh38, chr12:21,474,893, plus strand): 5'-TGGCTTACTTGCTTATGTTTTGACAGTATGATACCATCTCATAAAGCTTCTGCTGTCCCA[C>A]ATTTTCCATCACCACCATTGAACTTATTCTGAATATATCTCCAAAGCCGTAGTACAAAAT-3'
Protein context (NP_002898.2, residues 425-445): RISSMVVMEN[Val435Leu]GQQKLYEMVS